The following is an entry in ClinVar:

ClinVar aggregate classification (germline): Likely benign. Review status: criteria provided, multiple submitters, no conflicts (2 of 4 stars). 2 submissions from 2 submitters: Likely benign (2). Last evaluated 2026-04-01.

Conditions:
Cornelia de Lange syndrome 3 (CDLS3). Also called: SMC3-Related Cornelia de Lange Syndrome; CORNELIA DE LANGE SYNDROME 3 WITH OR WITHOUT MIDLINE BRAIN DEFECTS. Identifiers: Orphanet 199, MedGen C1853099, MONDO:0012555, OMIM 610759.

gnomAD v4.1: 91 of 1,613,584 alleles (0.0056%); highest among the groups gnomAD compares: Non-Finnish European, 0.0071%; no homozygotes.

Submissions (2):

CeGaT Center for Human Genetics Tuebingen
Classification: Likely benign. Last evaluated: 2026-04-01. Review status: criteria provided, single submitter. Criteria: CeGaT Center For Human Genetics Tuebingen Variant Classification Criteria Version 2. Collection method: clinical testing. Allele origin: germline. Affected: yes. Observed: 1 variant allele.
Comment: SMC3: BP4, BP7

Labcorp Genetics (formerly Invitae), Labcorp
Classification: Likely benign for Cornelia de Lange syndrome 3. Last evaluated: 2024-04-15. Review status: criteria provided, single submitter. Criteria: Invitae Variant Classification Sherloc (09022015). Collection method: clinical testing. Allele origin: germline.

NM_005445.4(SMC3):c.2982C>G (p.Ser994=)

Gene: SMC3 (structural maintenance of chromosomes 3; plus strand). Cytogenetic location: 10q25.2.
Variant type: single nucleotide variant.
Coding change: c.2982C>G on transcript NM_005445.4 (MANE Select); coding-DNA position 2982, C replaced by G.
Protein change: p.Ser994=; no amino-acid change (serine 994 retained).
Molecular consequence: synonymous variant.
Genome position (GRCh38, 1-based): chr10:110,602,055, C>G. VCF-style: chr10-110602055-C-G. GRCh37 (hg19) VCF-style: chr10-112361813-C-G.
Identifiers: ClinVar variation 2049633 (VCV002049633.6), dbSNP rs201308737, ClinGen allele CA5688318.